The following is an entry in ClinVar:

ClinVar aggregate classification (germline): Pathogenic (3 of 4 stars; one submission).

Conditions:
Glanzmann thrombasthenia. Also called: Glanzmann's thrombasthenia; THROMBASTHENIA OF GLANZMANN AND NAEGELI; Thrombasthenia; PLATELET GLYCOPROTEIN IIb-IIIa DEFICIENCY. Identifiers: Orphanet 849, MedGen C0040015, MONDO:0100326.

Submission:

ClinGen Platelet Disorders Variant Curation Expert Panel, ClinGen
Classification: Pathogenic for Glanzmann thrombasthenia. Last evaluated: 2026-06-04. Review status: reviewed by expert panel. Criteria: ClinGen Platelet ACMG Specifications v2-1. Collection method: curation. Allele origin: germline. Inheritance: Autosomal recessive inheritance.
Comment: The c.963del (p.His322IlefsTer57) variant in exon 11 is a frameshift variant predicted to cause a premature stop codon in biologically-relevant-exon 12/30 and is predicted to lead to nonsense mediated decay in a gene in which loss-of-function is an established mechanism (PVS1). At least one patient (PMID: 39057107) with this variant displayed mucocutaneous bleeding and impaired aggregation with all agonists except ristocetin, which is highly specific for Glanzmann thrombasthenia. Additionally, αIIbβ3 surface expression was absent, as measured by flow cytometry (PP4_Strong). This variant is absent from gnomAD v4.1.0 (PM2_Supporting). In summary, this variant meets the criteria to be classified as Pathogenic for autosomal recessive Glanzmann Thrombasthenia based on the ACMG/AMP criteria applied, as specified by the ClinGen PD VCEP: PVS1, PP4_Strong, PM3_Supporting and PM2_Supporting (VCEP specifications version 2).

NM_000419.5(ITGA2B):c.963del (p.His322fs)

Gene: ITGA2B (integrin subunit alpha 2b; minus strand). Cytogenetic location: 17q21.31.
Variant type: Deletion.
Coding change: c.963del on transcript NM_000419.5 (MANE Select); coding-DNA position 963, one base deleted (G; older notation c.963delG).
Protein change: p.His322fs; shifts the reading frame from histidine 322.
Molecular consequence: frameshift variant.
Genome position (GRCh38, 1-based): chr17:44,383,929, C deleted on the plus strand (G on the coding strand, the reverse complement: ITGA2B is on the minus strand); the first of 3 consecutive C bases (chr17:44,383,929-44,383,931); deleting any one gives the same sequence. VCF-style (leftmost placement, unchanged base first): chr17-44383928-GC-G. GRCh37 (hg19) VCF-style: chr17-42461296-GC-G.
Other names: NM_000419.5:c.963del; short protein forms H322fs.
Identifiers: ClinVar variation 4857364 (VCV004857364.1).